The following is an entry in ClinVar:

NM_007332.3(TRPA1):c.2046G>A (p.Pro682=)

Genes: MSC-AS1 (MSC antisense RNA 1; plus strand), TRPA1 (transient receptor potential cation channel subfamily A member 1; minus strand). Cytogenetic location: 8q21.11.
Variant type: single nucleotide variant.
Coding change: c.2046G>A on transcript NM_007332.3 (MANE Select); coding-DNA position 2046, G replaced by A.
Protein change: p.Pro682=; no amino-acid change (proline 682 retained).
Molecular consequence: synonymous variant.
Genome position (GRCh38, 1-based): chr8:72,046,528, C>T on the plus strand (G>A on the coding strand, the complement: TRPA1 is on the minus strand). VCF-style: chr8-72046528-C-T. GRCh37 (hg19) VCF-style: chr8-72958763-C-T.
Identifiers: ClinVar variation 3033490 (VCV003033490.3), dbSNP rs145960717, ClinGen allele CA4780662.
Genomic context (GRCh38, chr8:72,046,528, plus strand): 5'-AAGAAAAAAAAGAAACTATTTAGATAATGAAAACATTGAACTTACGTTGAGGGCTGTAAG[C>T]GGTTCATATATAACATCCTGTGTAGGTGTTTTTTTGGTGAATTCTAATGGACATTGAAGA-3'
Protein context (NP_015628.2, residues 672-692): KTPTQDVIYE[Pro682=]LTALNAMVQN

ClinVar aggregate classification (germline): Likely benign. Review status: criteria provided, single submitter (1 of 4 stars). 2 submissions from 2 submitters: Likely benign (1). 1 of the submissions does not count toward it. Last evaluated 2024-09-23.

Conditions:
TRPA1-related disorder. Also called: TRPA1-related condition.

Allele frequency attached by ClinVar (database versions not stated): ExAC 0.00057; 1000 Genomes Project 0.00100; 1000 Genomes Project 30x 0.00141; gnomAD 0.00150; ESP Exome Variant Server 0.00177.
gnomAD v4.1: 513 of 1,584,290 alleles (0.032%); highest among the groups gnomAD compares: African/African-American, 0.53%; 1 homozygote.

Submissions (2):

Blueprint Genetics
Classification: Likely benign. Last evaluated: 2024-09-23. Review status: criteria provided, single submitter. Criteria: ACMG Guidelines, 2015. Collection method: clinical testing. Allele origin: germline.

PreventionGenetics, part of Exact Sciences
Classification: Likely benign for TRPA1-related condition. Last evaluated: 2019-06-14. Review status: no assertion criteria provided. Collection method: clinical testing. Allele origin: germline. Not counted in ClinVar's aggregate classification.
Comment: This variant is classified as likely benign based on ACMG/AMP sequence variant interpretation guidelines (Richards et al. 2015 PMID: 25741868, with internal and published modifications).